The following is an entry in ClinVar:

ClinVar aggregate classification (germline): Benign/Likely benign. Review status: criteria provided, multiple submitters, no conflicts (2 of 4 stars). 6 submissions from 6 submitters: Benign (4); Likely benign (2). Last evaluated 2025-08-02.

Conditions:
Thrombocytopenia. Identifiers: MedGen C0040034, MeSH D013921, MONDO:0002049, HP:0001873.

Allele frequency attached by ClinVar (database versions not stated): gnomAD exomes 0.00029 and 0.00087; ExAC 0.00109; 1000 Genomes Project 0.00240; 1000 Genomes Project 30x 0.00312; gnomAD 0.00335 and 0.00369; TOPMed 0.00358; ESP Exome Variant Server 0.00454.
gnomAD v4.1: 950 of 1,612,854 alleles (0.059%); highest among the groups gnomAD compares: African/African-American, 1.1%; 6 homozygotes.

Submissions (6):

Ambry Genetics
Classification: Likely benign. Last evaluated: 2025-08-02. Review status: criteria provided, single submitter. Criteria: Ambry Variant Classification Scheme 2023. Collection method: clinical testing. Allele origin: germline.

Mayo Clinic Laboratories, Mayo Clinic
Classification: Benign. Last evaluated: 2025-05-09. Review status: criteria provided, single submitter. Criteria: ACMG Guidelines, 2015. Collection method: clinical testing. Allele origin: germline. Observed: 1 variant allele.
Comment: BS1, BS2, BP4_moderate

Blueprint Genetics
Classification: Likely benign. Last evaluated: 2024-11-11. Review status: criteria provided, single submitter. Criteria: ACMG Guidelines, 2015. Collection method: clinical testing. Allele origin: germline.

Labcorp Genetics (formerly Invitae), Labcorp
Classification: Benign. Last evaluated: 2018-07-13. Review status: criteria provided, single submitter. Criteria: Invitae Variant Classification Sherloc (09022015). Collection method: clinical testing. Allele origin: germline.

Illumina Laboratory Services, Illumina
Classification: Benign for Thrombocytopenia. Last evaluated: 2018-01-12. Review status: criteria provided, single submitter. Criteria: ICSL Variant Classification Criteria 13 December 2019. Collection method: clinical testing. Allele origin: germline.
Comment: This variant was observed in the ICSL laboratory as part of a predisposition screen in an ostensibly healthy population. It had not been previously curated by ICSL or reported in the Human Gene Mutation Database (HGMD: prior to June 1st, 2018), and was therefore a candidate for classification through an automated scoring system. Utilizing variant allele frequency, disease prevalence and penetrance estimates, and inheritance mode, an automated score was calculated to assess if this variant is too frequent to cause the disease. Based on the score and internal cut-off values, a variant classified as benign is not then subjected to further curation. The score for this variant resulted in a classification of benign for this disease.

Breakthrough Genomics
Classification: Benign. Review status: criteria provided, single submitter. Criteria: ACMG Guidelines, 2015. Collection method: not provided. Allele origin: germline. Inheritance: Unknown mechanism. Affected: yes.

NM_001172303.3(MASTL):c.1736T>C (p.Met579Thr)

Gene: MASTL (microtubule associated serine/threonine kinase like; plus strand). Cytogenetic location: 10p12.1.
Variant type: single nucleotide variant.
Coding change: c.1736T>C on transcript NM_001172303.3 (MANE Select); coding-DNA position 1736, T replaced by C.
Protein change: p.Met579Thr; replaces methionine 579 with threonine.
Molecular consequence: missense variant. On other transcripts: non-coding transcript variant (1).
Genome position (GRCh38, 1-based): chr10:27,170,695, T>C. VCF-style: chr10-27170695-T-C. GRCh37 (hg19) VCF-style: chr10-27459624-T-C.
Other names: p.Met579Thr; c.1736T>C, p.Met579Thr (NM_001172304.3, NM_001320756.2, NM_001320757.2 and 1 more transcripts); c.1253T>C, p.Met418Thr (NM_001372029.1, NM_001372030.1); short protein forms M579T, M418T.
Identifiers: ClinVar variation 768354 (VCV000768354.11), dbSNP rs150341657, ClinGen allele CA5450270.